The following is an entry in ClinVar:

ClinVar aggregate classification (germline): Benign/Likely benign. Review status: criteria provided, multiple submitters, no conflicts (2 of 4 stars). 4 submissions from 4 submitters: Benign (2); Likely benign (1). 1 of the submissions does not count toward it. Last evaluated 2026-01-26.

Conditions:
CEP63-related disorder. Also called: CEP63-related condition.

Allele frequency attached by ClinVar (database versions not stated): ESP Exome Variant Server 0.00015; gnomAD 0.00078; TOPMed 0.00221; ExAC 0.00231; 1000 Genomes Project 30x 0.00359; 1000 Genomes Project 0.00379.

Submissions (7):

Labcorp Genetics (formerly Invitae), Labcorp
Classification: Benign. Last evaluated: 2026-01-26. Review status: criteria provided, single submitter. Criteria: Invitae Variant Classification Sherloc (09022015). Collection method: clinical testing. Allele origin: germline.

PreventionGenetics, part of Exact Sciences
Classification: Benign for CEP63-related condition. Last evaluated: 2026-01-12. Review status: criteria provided, single submitter. Criteria: ACMG Guidelines, 2015. Collection method: clinical testing. Allele origin: germline.
Comment: This variant is classified as benign based on ACMG/AMP sequence variant interpretation guidelines (Richards et al. 2015 PMID: 25741868, with internal and published modifications).

Blueprint Genetics
Classification: Likely benign. Last evaluated: 2024-11-25. Review status: criteria provided, single submitter. Criteria: ACMG Guidelines, 2015. Collection method: clinical testing. Allele origin: germline.

Dr. Peter K. Rogan Lab, Western University
No classification provided (evidence only). Condition: Clear cell carcinoma of kidney. Review status: no classification provided. Collection method: in vitro. Allele origin: not applicable. Functional consequence: retained intron. Not counted in ClinVar's aggregate classification.

Dr. Peter K. Rogan Lab, Western University
No classification provided (evidence only). Condition: Clear cell carcinoma of kidney. Review status: no classification provided. Collection method: in vitro. Allele origin: not applicable. Functional consequence: retained intron. Not counted in ClinVar's aggregate classification.

Dr. Peter K. Rogan Lab, Western University
No classification provided (evidence only). Condition: Malignant lymphoma, large B-cell, diffuse. Review status: no classification provided. Collection method: in vitro. Allele origin: not applicable. Functional consequence: retained intron. Not counted in ClinVar's aggregate classification.

Genetic Services Laboratory, University of Chicago
Classification: Likely benign for AllHighlyPenetrant. Review status: no assertion criteria provided. Collection method: clinical testing. Allele origin: germline. Inheritance: Autosomal recessive inheritance. Not counted in ClinVar's aggregate classification.
Comment: Likely benign based on allele frequency in 1000 Genomes Project or ESP global frequency and its presence in a patient with a rare or unrelated disease phenotype. NOT Sanger confirmed.

NM_001353108.3(CEP63):c.567C>A (p.Val189=)

Gene: CEP63 (centrosomal protein 63; plus strand). Cytogenetic location: 3q22.2.
Variant type: single nucleotide variant.
Coding change: c.567C>A on transcript NM_001353108.3 (MANE Select); coding-DNA position 567, C replaced by A.
Protein change: p.Val189=; no amino-acid change (valine 189 retained).
Molecular consequence: synonymous variant. On other transcripts: non-coding transcript variant (4).
Genome position (GRCh38, 1-based): chr3:134,545,597, C>A. VCF-style: chr3-134545597-C-A. GRCh37 (hg19) VCF-style: chr3-134264439-C-A.
Other names: c.567C>A, p.Val189= (NM_001042383.2, NM_001042384.2, NM_001042400.3 and 13 more transcripts); c.594C>A, p.Val198= (NM_001353118.1); c.483C>A, p.Val161= (NM_001353125.2); c.204C>A, p.Val68= (NM_001353126.2).
Identifiers: ClinVar variation 128710 (VCV000128710.18), dbSNP rs146845434, ClinGen allele CA152321.